The following is an entry in ClinVar:

ClinVar aggregate classification (germline): Uncertain significance (1 of 4 stars; one submission).

Conditions:
Retinoblastoma (RB1). Also called: RETINOBLASTOMA, SOMATIC. Identifiers: Orphanet 790, MedGen C0035335, MeSH D012175, MONDO:0008380, OMIM 180200, HP:0009919. Disease mechanism: loss of function. Inheritance: Both sporadic and heritable forms are tested..

Submission:

Labcorp Genetics (formerly Invitae), Labcorp
Classification: Uncertain significance for Retinoblastoma. Last evaluated: 2021-10-09. Review status: criteria provided, single submitter. Criteria: Invitae Variant Classification Sherloc (09022015). Collection method: clinical testing. Allele origin: germline.
Comment: In summary, the available evidence is currently insufficient to determine the role of this variant in disease. Therefore, it has been classified as a Variant of Uncertain Significance. Algorithms developed to predict the effect of missense changes on protein structure and function are either unavailable or do not agree on the potential impact of this missense change (SIFT: "Deleterious"; PolyPhen-2: "Possibly Damaging"; Align-GVGD: "Class C15"). ClinVar contains an entry for this variant (Variation ID: 527925). This variant has not been reported in the literature in individuals affected with RB1-related conditions. This variant is not present in population databases (ExAC no frequency). This sequence change replaces aspartic acid with glycine at codon 856 of the RB1 protein (p.Asp856Gly). The aspartic acid residue is moderately conserved and there is a moderate physicochemical difference between aspartic acid and glycine.

NM_000321.3(RB1):c.2567A>G (p.Asp856Gly)

Gene: RB1 (RB transcriptional corepressor 1; plus strand). Cytogenetic location: 13q14.2.
Variant type: single nucleotide variant.
Coding change: c.2567A>G on transcript NM_000321.3 (MANE Select); coding-DNA position 2567, A replaced by G.
Protein change: p.Asp856Gly; replaces aspartic acid 856 with glycine.
Molecular consequence: missense variant.
Genome position (GRCh38, 1-based): chr13:48,476,747, A>G. VCF-style: chr13-48476747-A-G. GRCh37 (hg19) VCF-style: chr13-49050883-A-G.
Other names: short protein forms D856G.
Identifiers: ClinVar variation 527925 (VCV000527925.8), dbSNP rs1555295331, ClinGen allele CA388157275.
Genomic context (GRCh38, chr13:48,476,747, plus strand): 5'-TCTGTAATTTGTAGACTTCTGAGAAGTTCCAGAAAATAAATCAGATGGTATGTAACAGCG[A>G]CCGTGTGCTCAAAAGAAGTGCTGAAGGAAGCAACCCTCCTAAACCACTGAAAAAACTACG-3'
Protein context (NP_000312.2, residues 846-866): QKINQMVCNS[Asp856Gly]RVLKRSAEGS